The following is an entry in ClinVar:

NM_004360.5(CDH1):c.1668G>A (p.Val556=)

Gene: CDH1 (cadherin 1; plus strand). Cytogenetic location: 16q22.1.
Variant type: single nucleotide variant.
Coding change: c.1668G>A on transcript NM_004360.5 (MANE Select); coding-DNA position 1668, G replaced by A.
Protein change: p.Val556=; no amino-acid change (valine 556 retained).
Molecular consequence: synonymous variant. On other transcripts: intron variant (1).
Genome position (GRCh38, 1-based): chr16:68,819,382, G>A. VCF-style: chr16-68819382-G-A. GRCh37 (hg19) VCF-style: chr16-68853285-G-A.
Other names: c.1485G>A, p.Val495= (NM_001317184.2); c.120G>A, p.Val40= (NM_001317185.2); c.-254-2619G>A (NM_001317186.2).
Identifiers: ClinVar variation 3378814 (VCV003378814.2).

ClinVar aggregate classification (germline): Benign/Likely benign. Review status: criteria provided, multiple submitters, no conflicts (2 of 4 stars). 2 submissions from 2 submitters: Benign (1); Likely benign (1). Last evaluated 2026-01-04.

Conditions:
Hereditary cancer-predisposing syndrome. Also called: Hereditary neoplastic syndrome; Tumor predisposition; Neoplastic Syndromes, Hereditary; Hereditary Cancer Syndrome. Identifiers: Orphanet 140162, MedGen C0027672, MeSH D009386, MONDO:0015356.
Hereditary diffuse gastric adenocarcinoma (HDGC). Also called: DIFFUSE GASTRIC AND LOBULAR BREAST CANCER SYNDROME. Identifiers: Orphanet 26106, MedGen C1708349, MONDO:0007648, OMIM 137215.

Submissions (2):

Ambry Genetics
Classification: Likely benign for Hereditary cancer-predisposing syndrome. Last evaluated: 2026-01-04. Review status: criteria provided, single submitter. Criteria: Ambry Variant Classification Scheme 2023. Collection method: clinical testing. Allele origin: germline.

Myriad Genetics, Inc.
Classification: Benign for Hereditary diffuse gastric adenocarcinoma. Last evaluated: 2024-09-19. Review status: criteria provided, single submitter. Criteria: Myriad Autosomal Dominant, Autosomal Recessive and X-Linked Classification Criteria (2023). Collection method: clinical testing. Allele origin: unknown.
Comment: This variant is considered benign. This variant is a silent/synonymous amino acid change and it is not expected to impact splicing.